The following is an entry in ClinVar:

NM_001146079.2(CLDN14):c.355_361del (p.Ile119fs)

Genes: CLDN14 (claudin 14; minus strand), CLDN14-AS1 (CLDN14 antisense RNA 1; plus strand). Cytogenetic location: 21q22.13.
Variant type: Deletion.
Coding change: c.355_361del on transcript NM_001146079.2 (MANE Select); coding-DNA positions 355 to 361, 7 bases deleted (ATCCTCG; older notation c.355_361delATCCTCG).
Protein change: p.Ile119fs; shifts the reading frame from isoleucine 119.
Molecular consequence: frameshift variant.
Genome position (GRCh38, 1-based): chr21:36,461,335-36,461,341, CGAGGAT deleted on the plus strand (ATCCTCG on the coding strand, the reverse complement: CLDN14 is on the minus strand). VCF-style (leftmost placement, unchanged base first): chr21-36461334-CCGAGGAT-C. GRCh37 (hg19) VCF-style: chr21-37833632-CCGAGGAT-C.
Other names: c.355_361del, p.Ile119fs (NM_001146077.2, NM_001146078.3, NM_012130.4 and 1 more transcripts); short protein forms I119fs.
Identifiers: ClinVar variation 3601952 (VCV003601952.1).

ClinVar aggregate classification (germline): Pathogenic (1 of 4 stars; one submission).

Conditions:
Autosomal recessive nonsyndromic hearing loss 29. Identifiers: Orphanet 90636, MedGen C3279660, MONDO:0013537, OMIM 614035.

Submission:

Institute of Rare Diseases, West China Hospital, Sichuan University
Classification: Pathogenic for Autosomal recessive nonsyndromic hearing loss 29. Last evaluated: 2025-01-09. Review status: criteria provided, single submitter. Criteria: ClinGen HL ACMG Specifications v1. Collection method: research. Allele origin: germline. Affected: yes.
Comment: PVS1;PM3_Supporting;PM2_Supporting